The following is an entry in ClinVar:

ClinVar aggregate classification (germline): Uncertain significance (1 of 4 stars; one submission).

Conditions:
Hereditary cancer-predisposing syndrome. Also called: Hereditary Cancer Syndrome; Hereditary neoplastic syndrome; Neoplastic Syndromes, Hereditary; Tumor predisposition. Identifiers: Orphanet 140162, MedGen C0027672, MeSH D009386, MONDO:0015356.

Submission:

Ambry Genetics
Classification: Uncertain significance for Hereditary cancer-predisposing syndrome. Last evaluated: 2025-08-20. Review status: criteria provided, single submitter. Criteria: Ambry Variant Classification Scheme 2023. Collection method: clinical testing. Allele origin: germline.
Comment: The p.F57L variant (also known as c.171T>G), located in coding exon 2 of the FH gene, results from a T to G substitution at nucleotide position 171. The phenylalanine at codon 57 is replaced by leucine, an amino acid with highly similar properties. This amino acid position is highly conserved in available vertebrate species. In addition, this alteration is predicted to be deleterious by in silico analysis. Based on the available evidence, the clinical significance of this variant remains unclear.

NM_000143.4(FH):c.171T>G (p.Phe57Leu)

Gene: FH (fumarate hydratase; minus strand). Cytogenetic location: 1q43.
Variant type: single nucleotide variant.
Coding change: c.171T>G on transcript NM_000143.4 (MANE Select); coding-DNA position 171, T replaced by G.
Protein change: p.Phe57Leu; replaces phenylalanine 57 with leucine.
Molecular consequence: missense variant.
Genome position (GRCh38, 1-based): chr1:241,517,278, A>C on the plus strand (T>G on the coding strand, the complement: FH is on the minus strand). VCF-style: chr1-241517278-A-C. GRCh37 (hg19) VCF-style: chr1-241680578-A-C.
Other names: short protein forms F57L.
Identifiers: ClinVar variation 4257351 (VCV004257351.1).
Genomic context (GRCh38, chr1:241,517,278, plus strand): 5'-CATCGTAGATCTCACGGTCTGGGCGCCATAATACTTATCATTTGGCACCTTTAGTTCACC[A>C]AAGGTATCATATTCTATCCGGAAGGAATTTTGGCTTGCCTAAAGACAAGAATACAACACT-3'
Protein context (NP_000134.2, residues 47-67): QNSFRIEYDT[Phe57Leu]GELKVPNDKY